The following is an entry in ClinVar:

NM_000214.3(JAG1):c.500G>A (p.Trp167Ter)

Gene: JAG1 (jagged canonical Notch ligand 1; minus strand). Cytogenetic location: 20p12.2.
Variant type: single nucleotide variant.
Coding change: c.500G>A on transcript NM_000214.3 (MANE Select); coding-DNA position 500, G replaced by A.
Protein change: p.Trp167Ter; replaces tryptophan 167 with a stop codon.
Molecular consequence: nonsense.
Genome position (GRCh38, 1-based): chr20:10,658,662, C>T on the plus strand (G>A on the coding strand, the complement: JAG1 is on the minus strand). VCF-style: chr20-10658662-C-T. GRCh37 (hg19) VCF-style: chr20-10639310-C-T.
Other names: c.500G>A, p.Trp167Ter (LRG_1191t1); short protein forms W167*.
Identifiers: ClinVar variation 593991 (VCV000593991.7), dbSNP rs1568801068, ClinGen allele CA408240485.
Genomic context (GRCh38, chr20:10,658,662, plus strand): 5'-CAGGTCACGCGGATCTGATACTCAAAGTGGGCAACGCCCGTGTTCTGCTTCAGCGTCTGC[C>T]ACTGCCGGCTGGGGTTGATCATGCCCGAGTGAGAAGCCTTTTCAATAATACTGTCAGGTT-3'

ClinVar aggregate classification (germline): Pathogenic/Likely pathogenic. Review status: criteria provided, multiple submitters, no conflicts (2 of 4 stars). 3 submissions from 3 submitters: Pathogenic (2); Likely pathogenic (1). Last evaluated 2025-06-18.

Conditions:
JAG1-related disorder. Also called: JAG1-related disorders; JAG1-related condition.
Alagille syndrome due to a JAG1 point mutation. Also called: Alagille Syndrome 1; HEPATIC DUCTULAR HYPOPLASIA, SYNDROMATIC; JAG1-Related Alagille Syndrome. Identifiers: Orphanet 261619, Orphanet 52, MedGen C1956125, MONDO:0016862, OMIM 118450.

Submissions (3):

Labcorp Genetics (formerly Invitae), Labcorp
Classification: Pathogenic for Alagille syndrome due to a JAG1 point mutation. Last evaluated: 2025-06-18. Review status: criteria provided, single submitter. Criteria: Invitae Variant Classification Sherloc (09022015). Collection method: clinical testing. Allele origin: germline.
Comment: This sequence change creates a premature translational stop signal (p.Trp167*) in the JAG1 gene. It is expected to result in an absent or disrupted protein product. Loss-of-function variants in JAG1 are known to be pathogenic (PMID: 11180599). This variant is not present in population databases (gnomAD no frequency). This variant has not been reported in the literature in individuals affected with JAG1-related conditions. ClinVar contains an entry for this variant (Variation ID: 593991). For these reasons, this variant has been classified as Pathogenic.

Blueprint Genetics
Classification: Likely pathogenic for JAG1-related disorders. Last evaluated: 2020-11-25. Review status: criteria provided, single submitter. Criteria: ACMG Guidelines, 2015. Collection method: clinical testing. Allele origin: germline. Affected: yes. Observed: 1 variant allele.

Eurofins Ntd Llc (ga)
Classification: Pathogenic. Last evaluated: 2017-09-07. Review status: criteria provided, single submitter. Criteria: EGL Classification Definitions 2015. Collection method: clinical testing. Allele origin: germline. Observed: 1 variant allele, 1 heterozygote.

Literature cited by the submitters: PubMed 11180599 (cited by Labcorp Genetics (formerly Invitae), Labcorp).